The following is an entry in ClinVar:

NM_182914.3(SYNE2):c.5352+6A>G

Gene: SYNE2 (spectrin repeat containing nuclear envelope protein 2; plus strand). Cytogenetic location: 14q23.2.
Variant type: single nucleotide variant.
Coding change: c.5352+6A>G on transcript NM_182914.3 (MANE Select); 6 bases into the intron after coding-DNA position 5352, A replaced by G.
Molecular consequence: intron variant.
Genome position (GRCh38, 1-based): chr14:64,021,521, A>G. VCF-style: chr14-64021521-A-G. GRCh37 (hg19) VCF-style: chr14-64488239-A-G.
Other names: c.5352+6A>G (NM_015180.6).
Identifiers: ClinVar variation 1401189 (VCV001401189.6), dbSNP rs572125775, ClinGen allele CA261812189.
Genomic context (GRCh38, chr14:64,021,521, plus strand): 5'-CCTCTTAAAAGCCCTGTCTCCTTCTGACAGCTTGGAGATCTTCACTAAACTAGAGGTGCT[A>G]CCGAGCTGCTTGTCTTCTGTGGTTCAGATTTATTTTCACACTATTTGCAGTTGTCTTGAG-3'

ClinVar aggregate classification (germline): Uncertain significance (1 of 4 stars; one submission).

Conditions:
Emery-Dreifuss muscular dystrophy 5, autosomal dominant (EDMD5). Also called: EMERY-DREIFUSS MUSCULAR DYSTROPHY 5. Identifiers: Orphanet 261, MedGen C2751805, MONDO:0013072, OMIM 612999.

Allele frequency attached by ClinVar (database versions not stated): gnomAD exomes below 0.00001; 1000 Genomes Project 30x 0.00016; 1000 Genomes Project 0.00020.
gnomAD v4.1: 5 of 1,613,988 alleles (0.00031%); highest among the groups gnomAD compares: Non-Finnish European, 0.00042%; no homozygotes.

Submission:

Labcorp Genetics (formerly Invitae), Labcorp
Classification: Uncertain significance for Emery-Dreifuss muscular dystrophy 5, autosomal dominant. Last evaluated: 2022-11-22. Review status: criteria provided, single submitter. Criteria: Invitae Variant Classification Sherloc (09022015). Collection method: clinical testing. Allele origin: germline.
Comment: In summary, the available evidence is currently insufficient to determine the role of this variant in disease. Therefore, it has been classified as a Variant of Uncertain Significance. Variants that disrupt the consensus splice site are a relatively common cause of aberrant splicing (PMID: 17576681, 9536098). Algorithms developed to predict the effect of sequence changes on RNA splicing suggest that this variant is not likely to affect RNA splicing. ClinVar contains an entry for this variant (Variation ID: 1401189). This variant has not been reported in the literature in individuals affected with SYNE2-related conditions. The frequency data for this variant in the population databases is considered unreliable, as metrics indicate poor data quality at this position in the gnomAD database. This sequence change falls in intron 36 of the SYNE2 gene. It does not directly change the encoded amino acid sequence of the SYNE2 protein. It affects a nucleotide within the consensus splice site.

Literature cited by the submitters: PubMed 17576681; PubMed 9536098.